The following is an entry in ClinVar:

ClinVar aggregate classification (germline): Uncertain significance (1 of 4 stars; one submission).

Allele frequency attached by ClinVar (database versions not stated): gnomAD exomes below 0.00001.
gnomAD v4.1: 1 of 1,613,020 alleles (0.000062%); highest among the groups gnomAD compares: Non-Finnish European, 0.000085%; no homozygotes.

Submission:

Labcorp Genetics (formerly Invitae), Labcorp
Classification: Uncertain significance. Last evaluated: 2022-08-20. Review status: criteria provided, single submitter. Criteria: Invitae Variant Classification Sherloc (09022015). Collection method: clinical testing. Allele origin: germline.
Comment: This sequence change replaces arginine, which is basic and polar, with cysteine, which is neutral and slightly polar, at codon 33 of the RELA protein (p.Arg33Cys). This variant is not present in population databases (gnomAD no frequency). This variant has not been reported in the literature in individuals affected with RELA-related conditions. Algorithms developed to predict the effect of missense changes on protein structure and function are either unavailable or do not agree on the potential impact of this missense change (SIFT: "Deleterious"; PolyPhen-2: "Probably Damaging"; Align-GVGD: "Class C0"). In summary, the available evidence is currently insufficient to determine the role of this variant in disease. Therefore, it has been classified as a Variant of Uncertain Significance.

NM_021975.4(RELA):c.97C>T (p.Arg33Cys)

Gene: RELA (RELA proto-oncogene, NF-kB subunit; minus strand). Cytogenetic location: 11q13.1.
Variant type: single nucleotide variant.
Coding change: c.97C>T on transcript NM_021975.4 (MANE Select); coding-DNA position 97, C replaced by T.
Protein change: p.Arg33Cys; replaces arginine 33 with cysteine.
Molecular consequence: missense variant.
Genome position (GRCh38, 1-based): chr11:65,662,026, G>A on the plus strand (C>T on the coding strand, the complement: RELA is on the minus strand). VCF-style: chr11-65662026-G-A. GRCh37 (hg19) VCF-style: chr11-65429497-G-A.
Other names: c.97C>T, p.Arg33Cys (NM_001145138.2, NM_001243984.2, NM_001243985.2 and 3 more transcripts); c.70C>T, p.Arg24Cys (NM_001404658.1); c.-193C>T (NM_001404661.1); c.4C>T, p.Arg2Cys (NM_001404662.1, NM_001404663.1); short protein forms R24C, R2C, R33C.
Identifiers: ClinVar variation 1717012 (VCV001717012.6), dbSNP rs2496869967, ClinGen allele CA381394994.